The following is an entry in ClinVar:

NM_001184.4(ATR):c.88G>T (p.Val30Leu)

Gene: ATR (ATR checkpoint kinase; minus strand). Cytogenetic location: 3q23.
Variant type: single nucleotide variant.
Coding change: c.88G>T on transcript NM_001184.4 (MANE Select); coding-DNA position 88, G replaced by T.
Protein change: p.Val30Leu; replaces valine 30 with leucine.
Molecular consequence: missense variant.
Genome position (GRCh38, 1-based): chr3:142,568,126, C>A on the plus strand (G>T on the coding strand, the complement: ATR is on the minus strand). VCF-style: chr3-142568126-C-A. GRCh37 (hg19) VCF-style: chr3-142286968-C-A.
Other names: c.88G>T, p.Val30Leu (NM_001354579.2); short protein forms V30L.
Identifiers: ClinVar variation 3221308 (VCV003221308.1), dbSNP rs774945789, ClinGen allele CA2650849.

ClinVar aggregate classification (germline): Uncertain significance (1 of 4 stars; one submission).

Conditions:
Inborn genetic diseases. Identifiers: MedGen C0950123, MeSH D030342.

Allele frequency attached by ClinVar (database versions not stated): TOPMed below 0.00001; ExAC 0.00001.
gnomAD v4.1: 1 of 1,612,496 alleles (0.000062%); highest among the groups gnomAD compares: Non-Finnish European, 0.000085%; no homozygotes.

Submission:

Ambry Genetics
Classification: Uncertain significance for Inborn genetic diseases. Last evaluated: 2023-02-25. Review status: criteria provided, single submitter. Criteria: Ambry Variant Classification Scheme 2023. Collection method: clinical testing. Allele origin: germline.
Comment: The p.V30L variant (also known as c.88G>T), located in coding exon 2 of the ATR gene, results from a G to T substitution at nucleotide position 88. The valine at codon 30 is replaced by leucine, an amino acid with highly similar properties. This amino acid position is conserved. In addition, the in silico prediction for this alteration is inconclusive. Since supporting evidence is limited at this time, the clinical significance of this alteration remains unclear.